The following is an entry in ClinVar:

NM_000353.3(TAT):c.940C>T (p.Gln314Ter)

Genes: TAT (tyrosine aminotransferase; minus strand), TAT-AS1 (TAT antisense RNA 1; plus strand). Cytogenetic location: 16q22.2.
Variant type: single nucleotide variant.
Coding change: c.940C>T on transcript NM_000353.3 (MANE Select); coding-DNA position 940, C replaced by T.
Protein change: p.Gln314Ter; replaces glutamine 314 with a stop codon.
Molecular consequence: nonsense.
Genome position (GRCh38, 1-based): chr16:71,570,370, G>A on the plus strand (C>T on the coding strand, the complement: TAT is on the minus strand). VCF-style: chr16-71570370-G-A. GRCh37 (hg19) VCF-style: chr16-71604273-G-A.
Other names: short protein forms Q314*.
Identifiers: ClinVar variation 5016310 (VCV005016310.1).

ClinVar aggregate classification (germline): Pathogenic (1 of 4 stars; one submission).

Conditions:
Tyrosinemia type II (TYRSN2). Also called: KERATOSIS PALMOPLANTARIS WITH CORNEAL DYSTROPHY; OREGON TYPE TYROSINEMIA; TAT DEFICIENCY; TYROSINE AMINOTRANSFERASE DEFICIENCY; TYROSINE TRANSAMINASE DEFICIENCY. Identifiers: Orphanet 28378, MedGen C0268487, MONDO:0010160, OMIM 276600.

Submission:

Myriad Genetics, Inc.
Classification: Pathogenic for Tyrosinemia type II. Last evaluated: 2026-09-03. Review status: criteria provided, single submitter. Criteria: Myriad Autosomal Dominant, Autosomal Recessive and X-Linked Classification Criteria (2023). Collection method: clinical testing. Allele origin: unknown.
Comment: NM_000353.2(TAT):c.940C>T(Q314*) is expected to be pathogenic in the context of tyrosinemia type II. This variant is predicted to lead to an abnormal or absent protein product due to the creation of a premature termination codon in TAT, a gene where loss-of-function variants are known to be pathogenic. Please note: this variant was assessed in the context of healthy population screening.